The following is an entry in ClinVar:

NM_021800.3(DNAJC12):c.235C>T (p.Arg79Ter)

Gene: DNAJC12 (DnaJ heat shock protein family (Hsp40) member C12; minus strand). Cytogenetic location: 10q21.3.
Variant type: single nucleotide variant.
Coding change: c.235C>T on transcript NM_021800.3 (MANE Select); coding-DNA position 235, C replaced by T.
Protein change: p.Arg79Ter; replaces arginine 79 with a stop codon.
Molecular consequence: nonsense.
Genome position (GRCh38, 1-based): chr10:67,811,586, G>A on the plus strand (C>T on the coding strand, the complement: DNAJC12 is on the minus strand). VCF-style: chr10-67811586-G-A. GRCh37 (hg19) VCF-style: chr10-69571344-G-A.
Other names: c.235C>T, p.Arg79Ter (NM_201262.2); short protein forms R79*.
Identifiers: ClinVar variation 1921406 (VCV001921406.5), dbSNP rs772120310, ClinGen allele CA5520871.

ClinVar aggregate classification (germline): Pathogenic (1 of 4 stars; one submission).

Allele frequency attached by ClinVar (database versions not stated): TOPMed below 0.00001; gnomAD exomes 0.00001; ExAC 0.00002; gnomAD 0.00003.

Submission:

Labcorp Genetics (formerly Invitae), Labcorp
Classification: Pathogenic. Last evaluated: 2022-05-16. Review status: criteria provided, single submitter. Criteria: Invitae Variant Classification Sherloc (09022015). Collection method: clinical testing. Allele origin: germline.
Comment: This sequence change creates a premature translational stop signal (p.Arg79*) in the DNAJC12 gene. It is expected to result in an absent or disrupted protein product. Loss-of-function variants in DNAJC12 are known to be pathogenic (PMID: 28132689, 28892570). This variant is present in population databases (rs772120310, gnomAD 0.02%). This variant has not been reported in the literature in individuals affected with DNAJC12-related conditions. For these reasons, this variant has been classified as Pathogenic.

Literature cited by the submitters: PubMed 28132689; PubMed 28892570.